The following is an entry in ClinVar:

NM_001080453.3(INTS1):c.1200C>T (p.Ser400=)

Gene: INTS1 (integrator complex subunit 1; minus strand). Cytogenetic location: 7p22.3.
Variant type: single nucleotide variant.
Coding change: c.1200C>T on transcript NM_001080453.3 (MANE Select); coding-DNA position 1200, C replaced by T.
Protein change: p.Ser400=; no amino-acid change (serine 400 retained).
Molecular consequence: synonymous variant.
Genome position (GRCh38, 1-based): chr7:1,498,790, G>A on the plus strand (C>T on the coding strand, the complement: INTS1 is on the minus strand). VCF-style: chr7-1498790-G-A. GRCh37 (hg19) VCF-style: chr7-1538426-G-A.
Identifiers: ClinVar variation 716772 (VCV000716772.12), dbSNP rs201018657, ClinGen allele CA4120424.

ClinVar aggregate classification (germline): Benign/Likely benign. Review status: criteria provided, multiple submitters, no conflicts (2 of 4 stars). 3 submissions from 3 submitters: Benign (1); Likely benign (2). Last evaluated 2026-09-01.

Allele frequency attached by ClinVar (database versions not stated): gnomAD exomes 0.00034 and 0.00077; ExAC 0.00144; ESP Exome Variant Server 0.00210; gnomAD 0.00221 and 0.00240; TOPMed 0.00226; 1000 Genomes Project 0.00319; 1000 Genomes Project 30x 0.00390.

Submissions (3):

CeGaT Center for Human Genetics Tuebingen
Classification: Likely benign. Last evaluated: 2026-09-01. Review status: criteria provided, single submitter. Criteria: CeGaT Center For Human Genetics Tuebingen Variant Classification Criteria Version 2. Collection method: clinical testing. Allele origin: germline. Affected: yes. Observed: 2 variant alleles.
Comment: INTS1: BP4, BP7

Blueprint Genetics
Classification: Likely benign. Last evaluated: 2024-11-01. Review status: criteria provided, single submitter. Criteria: ACMG Guidelines, 2015. Collection method: clinical testing. Allele origin: germline.

Labcorp Genetics (formerly Invitae), Labcorp
Classification: Benign. Last evaluated: 2019-12-31. Review status: criteria provided, single submitter. Criteria: Invitae Variant Classification Sherloc (09022015). Collection method: clinical testing. Allele origin: germline.